The following is an entry in ClinVar:

ClinVar aggregate classification (germline): Benign/Likely benign. Review status: criteria provided, multiple submitters, no conflicts (2 of 4 stars). 5 submissions from 5 submitters: Benign (2); Likely benign (2). 1 of the submissions does not count toward it. Last evaluated 2024-10-23.

Conditions:
Inborn genetic diseases. Identifiers: MedGen C0950123, MeSH D030342.
FTSJ1-related disorder. Also called: FTSJ1-related condition.

Allele frequency attached by ClinVar (database versions not stated): gnomAD exomes 0.00025 and 0.00039; ExAC 0.00027; TOPMed 0.00027; gnomAD 0.00032 and 0.00033; ESP Exome Variant Server 0.00038.
gnomAD v4.1: 456 of 1,207,227 alleles (0.038%); highest among the groups gnomAD compares: Non-Finnish European, 0.048%; 1 homozygote.

Submissions (5):

Blueprint Genetics
Classification: Likely benign. Last evaluated: 2024-10-23. Review status: criteria provided, single submitter. Criteria: ACMG Guidelines, 2015. Collection method: clinical testing. Allele origin: germline.

CeGaT Center for Human Genetics Tuebingen
Classification: Likely benign. Last evaluated: 2022-09-01. Review status: criteria provided, single submitter. Criteria: CeGaT Center For Human Genetics Tuebingen Variant Classification Criteria Version 2. Collection method: clinical testing. Allele origin: germline. Affected: yes. Observed: 2 variant alleles.
Comment: FTSJ1: BP4, BS2

Labcorp Genetics (formerly Invitae), Labcorp
Classification: Benign. Last evaluated: 2018-06-08. Review status: criteria provided, single submitter. Criteria: Invitae Variant Classification Sherloc (09022015). Collection method: clinical testing. Allele origin: germline.

Ambry Genetics
Classification: Benign for Inborn genetic diseases. Last evaluated: 2017-12-15. Review status: criteria provided, single submitter. Criteria: Ambry Variant Classification Scheme 2023. Collection method: clinical testing. Allele origin: germline.

PreventionGenetics, part of Exact Sciences
Classification: Likely benign for FTSJ1-related condition. Last evaluated: 2022-07-20. Review status: no assertion criteria provided. Collection method: clinical testing. Allele origin: germline. Not counted in ClinVar's aggregate classification.
Comment: This variant is classified as likely benign based on ACMG/AMP sequence variant interpretation guidelines (Richards et al. 2015 PMID: 25741868, with internal and published modifications).

NM_012280.4(FTSJ1):c.893G>A (p.Ser298Asn)

Gene: FTSJ1 (FtsJ RNA 2'-O-methyltransferase 1; plus strand). Cytogenetic location: Xp11.23.
Variant type: single nucleotide variant.
Coding change: c.893G>A on transcript NM_012280.4 (MANE Select); coding-DNA position 893, G replaced by A.
Protein change: p.Ser298Asn; replaces serine 298 with asparagine.
Molecular consequence: missense variant.
Genome position (GRCh38, 1-based): chrX:48,482,730, G>A. VCF-style: chrX-48482730-G-A. GRCh37 (hg19) VCF-style: chrX-48341118-G-A.
Other names: c.482G>A, p.Ser161Asn (NM_001282157.2); c.887G>A, p.Ser296Asn (NM_177439.3); short protein forms S296N, S298N, S161N.
Identifiers: ClinVar variation 590221 (VCV000590221.33), dbSNP rs142932029, ClinGen allele CA10402642.
Genomic context (GRCh38, chrX:48,482,730, plus strand): 5'-GCACGTTGAAGAGGAAGGGGCAGCTGGCCAAGGAGATCCGCCCCCAGGACTGCCCCATCA[G>A]CAGAGTGGACACGTTTCCCCAGCCCCTGGCCGCCCCTCAGTGCCACACCCTGCTGGCCCC-3'
Protein context (NP_036412.1, residues 288-308): KEIRPQDCPI[Ser298Asn]RVDTFPQPLA